The following is an entry in ClinVar:

ClinVar aggregate classification (germline): Uncertain significance (1 of 4 stars; one submission).

Submission:

Labcorp Genetics (formerly Invitae), Labcorp
Classification: Uncertain significance. Last evaluated: 2025-10-11. Review status: criteria provided, single submitter. Criteria: Invitae Variant Classification Sherloc (09022015). Collection method: clinical testing. Allele origin: germline.
Comment: This sequence change replaces lysine, which is basic and polar, with methionine, which is neutral and non-polar, at codon 169 of the PUS1 protein (p.Lys169Met). This variant is not present in population databases (gnomAD no frequency). This variant has not been reported in the literature in individuals affected with PUS1-related conditions. Invitae Evidence Modeling of protein sequence and biophysical properties (such as structural, functional, and spatial information, amino acid conservation, physicochemical variation, residue mobility, and thermodynamic stability) has been performed for this missense variant. However, the output from this modeling did not meet the statistical confidence thresholds required to predict the impact of this variant on PUS1 protein function. In summary, the available evidence is currently insufficient to determine the role of this variant in disease. Therefore, it has been classified as a Variant of Uncertain Significance.

NM_025215.6(PUS1):c.506A>T (p.Lys169Met)

Gene: PUS1 (pseudouridine synthase 1; plus strand). Cytogenetic location: 12q24.33.
Variant type: single nucleotide variant.
Coding change: c.506A>T on transcript NM_025215.6 (MANE Select); coding-DNA position 506, A replaced by T.
Protein change: p.Lys169Met; replaces lysine 169 with methionine.
Molecular consequence: missense variant.
Genome position (GRCh38, 1-based): chr12:131,939,237, A>T. VCF-style: chr12-131939237-A-T. GRCh37 (hg19) VCF-style: chr12-132423782-A-T.
Other names: c.422A>T, p.Lys141Met (NM_001002019.3, NM_001002020.3); short protein forms K169M, K141M.
Identifiers: ClinVar variation 4707056 (VCV004707056.1).